The following is an entry in ClinVar:

NM_017739.4(POMGNT1):c.793C>T (p.Arg265Cys)

Genes: POMGNT1 (protein O-linked mannose N-acetylglucosaminyltransferase 1 (beta 1,2-); minus strand), TSPAN1 (tetraspanin 1; plus strand). Cytogenetic location: 1p34.1.
Variant type: single nucleotide variant.
Coding change: c.793C>T on transcript NM_017739.4 (MANE Select); coding-DNA position 793, C replaced by T.
Protein change: p.Arg265Cys; replaces arginine 265 with cysteine.
Molecular consequence: missense variant.
Genome position (GRCh38, 1-based): chr1:46,194,360, G>A on the plus strand (C>T on the coding strand, the complement: POMGNT1 is on the minus strand). VCF-style: chr1-46194360-G-A. GRCh37 (hg19) VCF-style: chr1-46660032-G-A.
Other names: c.793C>T, p.Arg265Cys (NM_001243766.2, NM_001410783.1); c.727C>T, p.Arg243Cys (NM_001290129.3); c.364C>T, p.Arg122Cys (NM_001290130.2); short protein forms R122C, R243C, R265C.
Identifiers: ClinVar variation 1209698 (VCV001209698.10), dbSNP rs774752168, ClinGen allele CA833602.
Genomic context (GRCh38, chr1:46,194,360, plus strand): 5'-TGGGGTCCTTGCAGCTGCATACACTTCCATAGCCCTCAACTTTGCTGCAGAAGCGCCGGC[G>A]GCGACGGTTCAGCTCTGTGTCTGCCCAGTGGCACTCTGCCTCTGAGGGAAGGATGCGGTT-3'
Protein context (NP_060209.4, residues 255-275): HWADTELNRR[Arg265Cys]RRFCSKVEGY

ClinVar aggregate classification (germline): Uncertain significance. Review status: criteria provided, multiple submitters, no conflicts (2 of 4 stars). 6 submissions from 3 submitters: Uncertain significance (6). Last evaluated 2024-06-08.

Conditions:
Retinitis pigmentosa 76 (RP76). Identifiers: MedGen C4310704, MONDO:0014929, OMIM 617123.
Muscular dystrophy-dystroglycanopathy (congenital with brain and eye anomalies), type A3. Also called: Muscular dystrophy-dystroglycanopathy (congenital with brain and eye anomalies), type A, 3; Congenital muscular dystrophy-dystroglycanopathy with brain and eye anomalies, type A3; WALKER-WARBURG SYNDROME OR MUSCLE-EYE-BRAIN DISEASE, POMGNT1-RELATED. Identifiers: MedGen C3151519, MONDO:0009667, OMIM 253280.
Autosomal recessive limb-girdle muscular dystrophy type 2O. Also called: Limb-Girdle Muscular Dystrophy Type 3C; MUSCULAR DYSTROPHY-DYSTROGLYCANOPATHY (LIMB-GIRDLE), TYPE C, 3; MUSCULAR DYSTROPHY-DYSTROGLYCANOPATHY, LIMB-GIRDLE, POMGNT1-RELATED. Identifiers: Orphanet 206564, MedGen C3150417, MONDO:0013161, OMIM 613157.
Muscular dystrophy-dystroglycanopathy (congenital with impaired intellectual development), type B, 3. Also called: Muscular dystrophy-dystroglycanopathy (congenital with intellectual disability), type B3; MUSCULAR DYSTROPHY, CONGENITAL, POMGNT1-RELATED. Identifiers: MedGen C3150412, MONDO:0013155, OMIM 613151.

Allele frequency attached by ClinVar (database versions not stated): gnomAD exomes 0.00001; TOPMed 0.00001; ExAC 0.00002.
gnomAD v4.1: 15 of 1,614,202 alleles (0.00093%); highest among the groups gnomAD compares: Admixed American, 0.0017%; no homozygotes.

Submissions (6):

3billion
Classification: Uncertain significance for Muscular dystrophy-dystroglycanopathy (congenital with brain and eye anomalies), type A3. Last evaluated: 2024-06-08. Review status: criteria provided, single submitter. Criteria: ACMG Guidelines, 2015. Collection method: clinical testing. Allele origin: germline. Affected: yes.
Comment: The variant is observed at an extremely low frequency in the gnomAD v4.0.0 dataset (total allele frequency: 0.001%). Predicted Consequence/Location: The majority of the known disease-causing variants of this gene are variants expected to result in premature termination of the protein. In silico tool predictions suggest damaging effect of the variant on gene or gene product [REVEL: 0.78 (>=0.6, sensitivity 0.68 and specificity 0.92); 3Cnet: 0.49 (>=0.6, sensitivity 0.72 and precision 0.9)]. Different missense changes at the same codon (p.Arg265His, p.Arg265Pro) have been reported to be associated with POMGNT1 related disorder (PMID: 15236414, 28765568). However the evidence of pathogenicity is insufficient at this time. Therefore, this variant is classified as VUS according to the recommendation of ACMG/AMP guideline.

Labcorp Genetics (formerly Invitae), Labcorp
Classification: Uncertain significance for Autosomal recessive limb-girdle muscular dystrophy type 2O; Muscular dystrophy-dystroglycanopathy (congenital with impaired intellectual development), type B, 3. Last evaluated: 2022-07-06. Review status: criteria provided, single submitter. Criteria: Invitae Variant Classification Sherloc (09022015). Collection method: clinical testing. Allele origin: germline.
Comment: This sequence change replaces arginine, which is basic and polar, with cysteine, which is neutral and slightly polar, at codon 265 of the POMGNT1 protein (p.Arg265Cys). This variant is present in population databases (rs774752168, gnomAD 0.003%). This variant has not been reported in the literature in individuals affected with POMGNT1-related conditions. ClinVar contains an entry for this variant (Variation ID: 1209698). Advanced modeling of protein sequence and biophysical properties (such as structural, functional, and spatial information, amino acid conservation, physicochemical variation, residue mobility, and thermodynamic stability) performed at Invitae indicates that this missense variant is not expected to disrupt POMGNT1 protein function. In summary, the available evidence is currently insufficient to determine the role of this variant in disease. Therefore, it has been classified as a Variant of Uncertain Significance.

Genome-Nilou Lab
Classification: Uncertain significance for Muscular dystrophy-dystroglycanopathy (congenital with brain and eye anomalies), type A3. Last evaluated: 2021-07-22. Review status: criteria provided, single submitter. Criteria: ACMG Guidelines, 2015. Collection method: clinical testing. Allele origin: germline. Affected: no.

Genome-Nilou Lab
Classification: Uncertain significance for Muscular dystrophy-dystroglycanopathy (congenital with impaired intellectual development), type B, 3. Last evaluated: 2021-07-22. Review status: criteria provided, single submitter. Criteria: ACMG Guidelines, 2015. Collection method: clinical testing. Allele origin: germline. Affected: no.

Genome-Nilou Lab
Classification: Uncertain significance for Autosomal recessive limb-girdle muscular dystrophy type 2O. Last evaluated: 2021-07-22. Review status: criteria provided, single submitter. Criteria: ACMG Guidelines, 2015. Collection method: clinical testing. Allele origin: germline. Affected: no.

Genome-Nilou Lab
Classification: Uncertain significance for Retinitis pigmentosa 76. Last evaluated: 2021-07-22. Review status: criteria provided, single submitter. Criteria: ACMG Guidelines, 2015. Collection method: clinical testing. Allele origin: germline. Affected: no.

Literature cited by the submitters: PubMed 15236414 (cited by 3billion).